The following is an entry in ClinVar:

ClinVar aggregate classification (germline): Likely benign (1 of 4 stars; one submission).

Conditions:
PHIP-related disorder. Also called: PHIP-related disorders; PHIP-related condition.

Submission:

PreventionGenetics, part of Exact Sciences
Classification: Likely benign for PHIP-related condition. Last evaluated: 2026-05-26. Review status: criteria provided, single submitter. Criteria: ACMG Guidelines, 2015. Collection method: clinical testing. Allele origin: germline.
Comment: This variant is classified as likely benign based on ACMG/AMP sequence variant interpretation guidelines (Richards et al. 2015 PMID: 25741868, with internal and published modifications).

NM_017934.7(PHIP):c.294A>G (p.Gln98=)

Gene: PHIP (PHIP subunit of CUL4-Ring ligase complex; minus strand). Cytogenetic location: 6q14.1.
Variant type: single nucleotide variant.
Coding change: c.294A>G on transcript NM_017934.7 (MANE Select); coding-DNA position 294, A replaced by G.
Protein change: p.Gln98=; no amino-acid change (glutamine 98 retained).
Molecular consequence: synonymous variant.
Genome position (GRCh38, 1-based): chr6:79,060,714, T>C on the plus strand (A>G on the coding strand, the complement: PHIP is on the minus strand). VCF-style: chr6-79060714-T-C. GRCh37 (hg19) VCF-style: chr6-79770431-T-C.
Identifiers: ClinVar variation 4989161 (VCV004989161.1).